The following is an entry in ClinVar:

NM_212482.4(FN1):c.5881A>G (p.Ile1961Val)

Genes: FN1 (fibronectin 1; minus strand), LOC126806496 (CDK7 strongly-dependent group 2 enhancer GRCh37_chr2:216240057-216241256; plus strand). Cytogenetic location: 2q35.
Variant type: single nucleotide variant.
Coding change: c.5881A>G on transcript NM_212482.4 (MANE Select); coding-DNA position 5881, A replaced by G.
Protein change: p.Ile1961Val; replaces isoleucine 1961 with valine.
Molecular consequence: missense variant.
Genome position (GRCh38, 1-based): chr2:215,376,504, T>C on the plus strand (A>G on the coding strand, the complement: FN1 is on the minus strand). VCF-style: chr2-215376504-T-C. GRCh37 (hg19) VCF-style: chr2-216241227-T-C.
Other names: c.5881A>G, p.Ile1961Val (NM_001306129.2); c.5611A>G, p.Ile1871Val (NM_001306130.2, NM_001365517.2, NM_001365519.2 and 2 more transcripts); c.5338A>G, p.Ile1780Val (NM_001306131.2, NM_001306132.2, NM_001365523.2 and 2 more transcripts); c.5608A>G, p.Ile1870Val (NM_001365518.2, NM_001365520.2, NM_001365524.2 and 2 more transcripts); short protein forms I1871V, I1870V, I1961V, I1780V.
Identifiers: ClinVar variation 1523488 (VCV001523488.9), dbSNP rs1209761880, ClinGen allele CA350471102.
Genomic context (GRCh38, chr2:215,376,504, plus strand): 5'-TTTACATTGTGGGTATTTGTTAACAAATGTGGTTAGTGCAATGAGTTCCCTGACCTGTGA[T>C]GGTGTAGCTTCTGACATCTGGCTTGATGGTTCTCTGGATTGGAGTCTGGCCATTGGCTGG-3'
Protein context (NP_997647.2, residues 1951-1971): TIKPDVRSYT[Ile1961Val]TGLQPGTDYK

ClinVar aggregate classification (germline): Uncertain significance. Review status: criteria provided, multiple submitters, no conflicts (2 of 4 stars). 2 submissions from 2 submitters: Uncertain significance (2). Last evaluated 2022-07-25.

Allele frequency attached by ClinVar (database versions not stated): gnomAD exomes below 0.00001; gnomAD 0.00001.
gnomAD v4.1: 11 of 1,614,014 alleles (0.00068%); highest among the groups gnomAD compares: South Asian, 0.0055%; no homozygotes.

Submissions (2):

Blueprint Genetics
Classification: Uncertain significance. Last evaluated: 2022-07-25. Review status: criteria provided, single submitter. Criteria: ACMG Guidelines, 2015. Collection method: clinical testing. Allele origin: germline.

Labcorp Genetics (formerly Invitae), Labcorp
Classification: Uncertain significance. Last evaluated: 2022-02-03. Review status: criteria provided, single submitter. Criteria: Invitae Variant Classification Sherloc (09022015). Collection method: clinical testing. Allele origin: germline.
Comment: Algorithms developed to predict the effect of missense changes on protein structure and function are either unavailable or do not agree on the potential impact of this missense change (SIFT: "Not Available"; PolyPhen-2: "Possibly Damaging"; Align-GVGD: "Not Available"). This variant has not been reported in the literature in individuals affected with FN1-related conditions. This variant is present in population databases (no rsID available, gnomAD 0.003%). This sequence change replaces isoleucine, which is neutral and non-polar, with valine, which is neutral and non-polar, at codon 1961 of the FN1 protein (p.Ile1961Val). In summary, the available evidence is currently insufficient to determine the role of this variant in disease. Therefore, it has been classified as a Variant of Uncertain Significance.